The following is an entry in ClinVar:

ClinVar aggregate classification (germline): Uncertain significance (1 of 4 stars; one submission).

Conditions:
Early-infantile DEE. Also called: Ohtahara syndrome; Early infantile epileptic encephalopathy with suppression bursts; Early infantile epileptic encephalopathy. Identifiers: Orphanet 1934, MedGen C0393706, MONDO:0800491.

Submission:

Labcorp Genetics (formerly Invitae), Labcorp
Classification: Uncertain significance for Early-infantile DEE. Last evaluated: 2023-12-12. Review status: criteria provided, single submitter. Criteria: Invitae Variant Classification Sherloc (09022015). Collection method: clinical testing. Allele origin: germline.
Comment: This sequence change replaces glutamine, which is neutral and polar, with lysine, which is basic and polar, at codon 170 of the HCN1 protein (p.Gln170Lys). This variant is not present in population databases (gnomAD no frequency). This variant has not been reported in the literature in individuals affected with HCN1-related conditions. Advanced modeling of protein sequence and biophysical properties (such as structural, functional, and spatial information, amino acid conservation, physicochemical variation, residue mobility, and thermodynamic stability) performed at Invitae indicates that this missense variant is not expected to disrupt HCN1 protein function with a negative predictive value of 80%. In summary, the available evidence is currently insufficient to determine the role of this variant in disease. Therefore, it has been classified as a Variant of Uncertain Significance.

NM_021072.4(HCN1):c.508C>A (p.Gln170Lys)

Gene: HCN1 (hyperpolarization activated cyclic nucleotide gated potassium channel 1; minus strand). Cytogenetic location: 5p12.
Variant type: single nucleotide variant.
Coding change: c.508C>A on transcript NM_021072.4 (MANE Select); coding-DNA position 508, C replaced by A.
Protein change: p.Gln170Lys; replaces glutamine 170 with lysine.
Molecular consequence: missense variant.
Genome position (GRCh38, 1-based): chr5:45,645,526, G>T on the plus strand (C>A on the coding strand, the complement: HCN1 is on the minus strand). VCF-style: chr5-45645526-G-T. GRCh37 (hg19) VCF-style: chr5-45645628-G-T.
Other names: short protein forms Q170K.
Identifiers: ClinVar variation 2702481 (VCV002702481.3), dbSNP rs2478543926, ClinGen allele CA359707760.